The following is an entry in ClinVar:

ClinVar aggregate classification (germline): Uncertain significance (1 of 4 stars; one submission).

Submission:

Labcorp Genetics (formerly Invitae), Labcorp
Classification: Uncertain significance. Last evaluated: 2025-05-05. Review status: criteria provided, single submitter. Criteria: Invitae Variant Classification Sherloc (09022015). Collection method: clinical testing. Allele origin: germline.
Comment: This sequence change replaces glutamic acid, which is acidic and polar, with glycine, which is neutral and non-polar, at codon 2498 of the LAMA1 protein (p.Glu2498Gly). This variant is not present in population databases (gnomAD no frequency). This variant has not been reported in the literature in individuals affected with LAMA1-related conditions. ClinVar contains an entry for this variant (Variation ID: 2099377). Invitae Evidence Modeling of protein sequence and biophysical properties (such as structural, functional, and spatial information, amino acid conservation, physicochemical variation, residue mobility, and thermodynamic stability) indicates that this missense variant is expected to disrupt LAMA1 protein function with a positive predictive value of 80%. In summary, the available evidence is currently insufficient to determine the role of this variant in disease. Therefore, it has been classified as a Variant of Uncertain Significance.

NM_005559.4(LAMA1):c.7493A>G (p.Glu2498Gly)

Gene: LAMA1 (laminin subunit alpha 1; minus strand). Cytogenetic location: 18p11.31.
Variant type: single nucleotide variant.
Coding change: c.7493A>G on transcript NM_005559.4 (MANE Select); coding-DNA position 7493, A replaced by G.
Protein change: p.Glu2498Gly; replaces glutamic acid 2498 with glycine.
Molecular consequence: missense variant.
Genome position (GRCh38, 1-based): chr18:6,961,719, T>C on the plus strand (A>G on the coding strand, the complement: LAMA1 is on the minus strand). VCF-style: chr18-6961719-T-C. GRCh37 (hg19) VCF-style: chr18-6961718-T-C.
Other names: short protein forms E2498G.
Identifiers: ClinVar variation 2099377 (VCV002099377.4), dbSNP rs2510827690, ClinGen allele CA401846102.